The following is an entry in ClinVar:

ClinVar aggregate classification (germline): Uncertain significance. Review status: criteria provided, multiple submitters, no conflicts (2 of 4 stars). 2 submissions from 2 submitters: Uncertain significance (2). Last evaluated 2025-09-17.

Conditions:
Hereditary cancer-predisposing syndrome. Also called: Hereditary Cancer Syndrome; Neoplastic Syndromes, Hereditary; Tumor predisposition; Hereditary neoplastic syndrome. Identifiers: Orphanet 140162, MedGen C0027672, MeSH D009386, MONDO:0015356.
Bloom syndrome (BLM). Also called: Bloom-Torre-Machacek syndrome. Identifiers: Orphanet 125, MedGen C0005859, MONDO:0008876, OMIM 210900.

Submissions (2):

Ambry Genetics
Classification: Uncertain significance for Hereditary cancer-predisposing syndrome. Last evaluated: 2025-09-17. Review status: criteria provided, single submitter. Criteria: Ambry Variant Classification Scheme 2023. Collection method: clinical testing. Allele origin: germline.
Comment: The p.A926S variant (also known as c.2776G>T), located in coding exon 13 of the BLM gene, results from a G to T substitution at nucleotide position 2776. The alanine at codon 926 is replaced by serine, an amino acid with similar properties. This amino acid position is conserved. In addition, this alteration is predicted to be tolerated by in silico analysis. Based on the available evidence, the clinical significance of this variant remains unclear.

Labcorp Genetics (formerly Invitae), Labcorp
Classification: Uncertain significance for Bloom syndrome. Last evaluated: 2022-11-09. Review status: criteria provided, single submitter. Criteria: Invitae Variant Classification Sherloc (09022015). Collection method: clinical testing. Allele origin: germline.
Comment: This variant has not been reported in the literature in individuals affected with BLM-related conditions. In summary, the available evidence is currently insufficient to determine the role of this variant in disease. Therefore, it has been classified as a Variant of Uncertain Significance. Advanced modeling of protein sequence and biophysical properties (such as structural, functional, and spatial information, amino acid conservation, physicochemical variation, residue mobility, and thermodynamic stability) performed at Invitae indicates that this missense variant is not expected to disrupt BLM protein function. ClinVar contains an entry for this variant (Variation ID: 1023010). This variant is not present in population databases (gnomAD no frequency). This sequence change replaces alanine, which is neutral and non-polar, with serine, which is neutral and polar, at codon 926 of the BLM protein (p.Ala926Ser).

NM_000057.4(BLM):c.2776G>T (p.Ala926Ser)

Gene: BLM (BLM RecQ like helicase; plus strand). Cytogenetic location: 15q26.1.
Variant type: single nucleotide variant.
Coding change: c.2776G>T on transcript NM_000057.4 (MANE Select); coding-DNA position 2776, G replaced by T.
Protein change: p.Ala926Ser; replaces alanine 926 with serine.
Molecular consequence: missense variant.
Genome position (GRCh38, 1-based): chr15:90,785,034, G>T. VCF-style: chr15-90785034-G-T. GRCh37 (hg19) VCF-style: chr15-91328264-G-T.
Other names: c.2776G>T, p.Ala926Ser (NM_001287246.2, NM_001287247.2); c.1651G>T, p.Ala551Ser (NM_001287248.2); c.2776G>T (NM_000057.2); short protein forms A551S, A926S.
Identifiers: ClinVar variation 1023010 (VCV001023010.10), dbSNP rs1896710799, ClinGen allele CA393846087.